The following is an entry in ClinVar:

NM_001130082.3(PLXNB1):c.2310C>T (p.Thr770=)

Gene: PLXNB1 (plexin B1; minus strand). Cytogenetic location: 3p21.31.
Variant type: single nucleotide variant.
Coding change: c.2310C>T on transcript NM_001130082.3 (MANE Select); coding-DNA position 2310, C replaced by T.
Protein change: p.Thr770=; no amino-acid change (threonine 770 retained).
Molecular consequence: synonymous variant.
Genome position (GRCh38, 1-based): chr3:48,419,976, G>A on the plus strand (C>T on the coding strand, the complement: PLXNB1 is on the minus strand). VCF-style: chr3-48419976-G-A. GRCh37 (hg19) VCF-style: chr3-48461385-G-A.
Other names: c.2310C>T, p.Thr770= (NM_002673.6).
Identifiers: ClinVar variation 2653789 (VCV002653789.24), dbSNP rs769441795, ClinGen allele CA2374857.
Genomic context (GRCh38, chr3:48,419,976, plus strand): 5'-GGAGGCCAAGAGGTCCTCAGGTGTGGCTGAGGGTCTGAAGTCAGTGGGGGCAGGGACAGC[G>A]GTTCCAGGTCCATTTTGGGGGCTGGGAGGGGAGGGCTCCTCATGGAGAGGCGACCCTGTG-3'
Protein context (NP_001123554.1, residues 760-780): SPPSPQNGPG[Thr770=]AVPAPTDFRP

ClinVar aggregate classification (germline): Likely benign (1 of 4 stars; one submission).

Allele frequency attached by ClinVar (database versions not stated): ExAC 0.00001; gnomAD 0.00003.
gnomAD v4.1: 22 of 1,590,990 alleles (0.0014%); highest among the groups gnomAD compares: Admixed American, 0.0068%; no homozygotes.

Submission:

CeGaT Center for Human Genetics Tuebingen
Classification: Likely benign. Last evaluated: 2022-10-01. Review status: criteria provided, single submitter. Criteria: CeGaT Center For Human Genetics Tuebingen Variant Classification Criteria Version 2. Collection method: clinical testing. Allele origin: germline. Affected: yes. Observed: 1 variant allele.
Comment: PLXNB1: BP4, BP7